The following is an entry in ClinVar:

ClinVar aggregate classification (germline): Uncertain significance. Review status: criteria provided, multiple submitters, no conflicts (2 of 4 stars). 2 submissions from 2 submitters: Uncertain significance (2). Last evaluated 2022-06-04.

Conditions:
Hypomyelination and Congenital Cataract (HLD5). Also called: hypomyelinating leukodystrophy 5. Identifiers: Orphanet 85163, MedGen C1864663, MONDO:0012514, OMIM 610532.

Allele frequency attached by ClinVar (database versions not stated): ExAC 0.00001; gnomAD 0.00001; gnomAD exomes 0.00001 and 0.00003; TOPMed 0.00001.
gnomAD v4.1: 49 of 1,613,672 alleles (0.003%); highest among the groups gnomAD compares: East Asian, 0.02%; no homozygotes.

Submissions (2):

Labcorp Genetics (formerly Invitae), Labcorp
Classification: Uncertain significance for Hypomyelination and Congenital Cataract. Last evaluated: 2022-06-04. Review status: criteria provided, single submitter. Criteria: Invitae Variant Classification Sherloc (09022015). Collection method: clinical testing. Allele origin: germline.
Comment: This sequence change replaces methionine, which is neutral and non-polar, with valine, which is neutral and non-polar, at codon 502 of the FAM126A protein (p.Met502Val). This variant is present in population databases (rs765967900, gnomAD 0.003%). This variant has not been reported in the literature in individuals affected with FAM126A-related conditions. ClinVar contains an entry for this variant (Variation ID: 810075). Algorithms developed to predict the effect of missense changes on protein structure and function output the following: SIFT: "Tolerated"; PolyPhen-2: "Benign"; Align-GVGD: "Class C0". The valine amino acid residue is found in multiple mammalian species, which suggests that this missense change does not adversely affect protein function. In summary, the available evidence is currently insufficient to determine the role of this variant in disease. Therefore, it has been classified as a Variant of Uncertain Significance.

CeGaT Center for Human Genetics Tuebingen
Classification: Uncertain significance. Last evaluated: 2018-09-01. Review status: criteria provided, single submitter. Criteria: CeGaT Center For Human Genetics Tuebingen Variant Classification Criteria Version 2. Collection method: clinical testing. Allele origin: germline. Affected: yes. Observed: 1 variant allele.

NM_032581.4(HYCC1):c.1504A>G (p.Met502Val)

Gene: HYCC1 (hyccin PI4KA lipid kinase complex subunit 1; minus strand). Cytogenetic location: 7p15.3.
Variant type: single nucleotide variant.
Coding change: c.1504A>G on transcript NM_032581.4 (MANE Select); coding-DNA position 1504, A replaced by G.
Protein change: p.Met502Val; replaces methionine 502 with valine.
Molecular consequence: missense variant. On other transcripts: 3 prime UTR variant (2).
Genome position (GRCh38, 1-based): chr7:22,945,651, T>C on the plus strand (A>G on the coding strand, the complement: HYCC1 is on the minus strand). VCF-style: chr7-22945651-T-C. GRCh37 (hg19) VCF-style: chr7-22985270-T-C.
Other names: c.*540A>G (NM_001363466.2); c.*498A>G (NM_001363467.2); short protein forms M502V.
Identifiers: ClinVar variation 810075 (VCV000810075.45), dbSNP rs765967900, ClinGen allele CA4185713.